The following is an entry in ClinVar:

ClinVar aggregate classification (germline): Likely benign. Review status: criteria provided, multiple submitters, no conflicts (2 of 4 stars). 3 submissions from 3 submitters: Likely benign (2). 1 of the submissions does not count toward it. Last evaluated 2024-05-06.

Conditions:
KRT17-related disorder. Also called: KRT17-related condition.

Allele frequency attached by ClinVar (database versions not stated): gnomAD 0.00002; gnomAD exomes 0.00002; TOPMed 0.00002; ExAC 0.00005; 1000 Genomes Project 0.00020; 1000 Genomes Project 30x 0.00031.
gnomAD v4.1: 30 of 1,611,878 alleles (0.0019%); highest among the groups gnomAD compares: Middle Eastern, 0.045%; no homozygotes.

Submissions (3):

Labcorp Genetics (formerly Invitae), Labcorp
Classification: Likely benign. Last evaluated: 2024-05-06. Review status: criteria provided, single submitter. Criteria: Invitae Variant Classification Sherloc (09022015). Collection method: clinical testing. Allele origin: germline.

Blueprint Genetics
Classification: Likely benign. Last evaluated: 2023-07-06. Review status: criteria provided, single submitter. Criteria: ACMG Guidelines, 2015. Collection method: clinical testing. Allele origin: germline.

PreventionGenetics, part of Exact Sciences
Classification: Likely benign for KRT17-related condition. Last evaluated: 2019-08-06. Review status: no assertion criteria provided. Collection method: clinical testing. Allele origin: germline. Not counted in ClinVar's aggregate classification.
Comment: This variant is classified as likely benign based on ACMG/AMP sequence variant interpretation guidelines (Richards et al. 2015 PMID: 25741868, with internal and published modifications).

NM_000422.3(KRT17):c.673-7T>C

Gene: KRT17 (keratin 17; minus strand). Cytogenetic location: 17q21.2.
Variant type: single nucleotide variant.
Coding change: c.673-7T>C on transcript NM_000422.3 (MANE Select); 7 bases into the intron before coding-DNA position 673, T replaced by C.
Molecular consequence: intron variant.
Genome position (GRCh38, 1-based): chr17:41,621,761, A>G on the plus strand (T>C on the coding strand, the complement: KRT17 is on the minus strand). VCF-style: chr17-41621761-A-G. GRCh37 (hg19) VCF-style: chr17-39778013-A-G.
Other names: c.673-7T>C (NM_000422.2).
Identifiers: ClinVar variation 1959676 (VCV001959676.8), dbSNP rs561972274, ClinGen allele CA8563643.